The following is an entry in ClinVar:

ClinVar aggregate classification (germline): Likely pathogenic (1 of 4 stars; one submission).

Submission:

GeneDx
Classification: Likely pathogenic. Last evaluated: 2024-08-22. Review status: criteria provided, single submitter. Criteria: GeneDx Variant Classification Process June 2021. Collection method: clinical testing. Allele origin: germline.
Comment: Identified in a patient with a second MOCS1 variant with a suspected monogenic condition; however, additional clinical information was not provided (PMID: 32369273); In silico analysis supports that this missense variant has a deleterious effect on protein structure/function; Not observed at significant frequency in large population cohorts (gnomAD); This variant is associated with the following publications: (PMID: 32369273)

NM_001358530.2(MOCS1):c.970G>T (p.Gly324Trp)

Gene: MOCS1 (molybdenum cofactor synthesis 1; minus strand). Cytogenetic location: 6p21.2.
Variant type: single nucleotide variant.
Coding change: c.970G>T on transcript NM_001358530.2 (MANE Select); coding-DNA position 970, G replaced by T.
Protein change: p.Gly324Trp; replaces glycine 324 with tryptophan.
Molecular consequence: missense variant. On other transcripts: non-coding transcript variant (1).
Genome position (GRCh38, 1-based): chr6:39,912,275, C>A on the plus strand (G>T on the coding strand, the complement: MOCS1 is on the minus strand). VCF-style: chr6-39912275-C-A. GRCh37 (hg19) VCF-style: chr6-39880019-C-A.
Other names: c.709G>T, p.Gly237Trp (NM_001358531.2, NM_001358533.2, NM_001358534.2); c.970G>T, p.Gly324Trp (NM_005943.6, NM_001075098.4, NM_001358529.2); short protein forms G237W, G324W.
Identifiers: ClinVar variation 3253285 (VCV003253285.2), dbSNP rs762253951.